The following is an entry in ClinVar:

ClinVar aggregate classification (germline): Pathogenic (1 of 4 stars; one submission).

Conditions:
Cohen syndrome (COH1). Also called: Cutis verticis gyrata, retinitis pigmentosa, and sensorineural deafness; PEPPER SYNDROME. Identifiers: Orphanet 193, MedGen C0265223, MONDO:0008999, OMIM 216550.

Submission:

Labcorp Genetics (formerly Invitae), Labcorp
Classification: Pathogenic for Cohen syndrome. Last evaluated: 2022-08-05. Review status: criteria provided, single submitter. Criteria: Invitae Variant Classification Sherloc (09022015). Collection method: clinical testing. Allele origin: germline.
Comment: For these reasons, this variant has been classified as Pathogenic. This variant has not been reported in the literature in individuals affected with VPS13B-related conditions. This variant is a gross deletion of the genomic region encompassing exon(s) 26 of the VPS13B gene. This deletion is out-of-frame, and is expected to create a premature termination codon and result in an absent or disrupted protein product. Loss-of-function variants in VPS13B are known to be pathogenic (PMID: 15141358, 16648375, 20461111).

Literature cited by the submitters: PubMed 15141358; PubMed 16648375; PubMed 20461111.

NC_000008.10:g.(?_100513905)_(100514096_?)del

Gene: VPS13B (vacuolar protein sorting 13 homolog B; plus strand). Cytogenetic location: 8q22.2.
Variant type: Deletion.
Identifiers: ClinVar variation 2426371 (VCV002426371.3).